The following is an entry in ClinVar:

ClinVar aggregate classification (germline): Pathogenic (1 of 4 stars; one submission).

Submission:

Labcorp Genetics (formerly Invitae), Labcorp
Classification: Pathogenic. Last evaluated: 2022-05-12. Review status: criteria provided, single submitter. Criteria: Invitae Variant Classification Sherloc (09022015). Collection method: clinical testing. Allele origin: germline.
Comment: For these reasons, this variant has been classified as Pathogenic. This variant has not been reported in the literature in individuals affected with POLE-related conditions. This variant is a gross deletion of the genomic region encompassing exon(s) 44-45 of the POLE gene. This deletion is out-of-frame, and is expected to create a premature termination codon and result in an absent or disrupted protein product. Loss-of-function variants in POLE are known to be pathogenic (PMID: 23230001, 25948378, 30503519).

Literature cited by the submitters: PubMed 23230001; PubMed 25948378; PubMed 30503519.

NC_000012.12:g.(?_132632305)_(132632805_?)del

Gene: POLE (DNA polymerase epsilon, catalytic subunit; minus strand). Cytogenetic location: 12q24.33.
Variant type: Deletion.
Identifiers: ClinVar variation 660694 (VCV000660694.8).